The following is an entry in ClinVar:

NM_001606.5(ABCA2):c.6175-15C>T

Gene: ABCA2 (ATP binding cassette subfamily A member 2; minus strand). Cytogenetic location: 9q34.3.
Variant type: single nucleotide variant.
Coding change: c.6175-15C>T on transcript NM_001606.5 (MANE Select); 15 bases into the intron before coding-DNA position 6175, C replaced by T.
Molecular consequence: intron variant.
Genome position (GRCh38, 1-based): chr9:137,010,386, G>A on the plus strand (C>T on the coding strand, the complement: ABCA2 is on the minus strand). VCF-style: chr9-137010386-G-A. GRCh37 (hg19) VCF-style: chr9-139904838-G-A.
Other names: c.6265-15C>T (NM_212533.3); c.6172-15C>T (NM_001411042.1).
Identifiers: ClinVar variation 3895582 (VCV003895582.1).
Genomic context (GRCh38, chr9:137,010,386, plus strand): 5'-GGCGGTCAACGGCCAGGATACGGCCAATCTTCCGGGACTTGTAGACCTGGCCAGGAGCCT[G>A]CCCACTCAGCGGGGCATCCTGCCCCCACCCTGCCCCTCTGGCCCCACCCCACCCAGACCC-3'

ClinVar aggregate classification (germline): Likely benign (1 of 4 stars; one submission).

gnomAD v4.1: 24 of 1,557,356 alleles (0.0015%); highest among the groups gnomAD compares: Admixed American, 0.019%; no homozygotes.

Submission:

Women's Health and Genetics/Laboratory Corporation of America, LabCorp
Classification: Likely benign. Last evaluated: 2025-03-17. Review status: criteria provided, single submitter. Criteria: LabCorp Variant Classification Summary - May 2015. Collection method: clinical testing. Allele origin: germline.
Comment: Variant summary: ABCA2 c.6265-15C>T alters a non-conserved nucleotide located at a position not widely known to affect splicing. Consensus agreement among computation tools predict no significant impact on normal splicing. However, these predictions have yet to be confirmed by functional studies. The variant allele was found at a frequency of 1.5e-05 in 1550696 control chromosomes (gnomAD). This frequency is not significantly higher than estimated for a pathogenic variant in ABCA2 causing Intellectual Developmental Disorder With Poor Growth And With Or Without Seizures Or Ataxia, allowing no conclusion about variant significance. To our knowledge, no occurrence of c.6265-15C>T in individuals affected with Intellectual Developmental Disorder With Poor Growth And With Or Without Seizures Or Ataxia and no experimental evidence demonstrating its impact on protein function have been reported. No submitters have cited clinical-significance assessments for this variant to ClinVar. Based on the evidence outlined above, the variant was classified as likely benign.